The following is an entry in ClinVar:

NM_000090.4(COL3A1):c.4348G>A (p.Gly1450Ser)

Gene: COL3A1 (collagen type III alpha 1 chain; plus strand). Cytogenetic location: 2q32.2.
Variant type: single nucleotide variant.
Coding change: c.4348G>A on transcript NM_000090.4 (MANE Select); coding-DNA position 4348, G replaced by A.
Protein change: p.Gly1450Ser; replaces glycine 1450 with serine.
Molecular consequence: missense variant.
Genome position (GRCh38, 1-based): chr2:189,011,721, G>A. VCF-style: chr2-189011721-G-A. GRCh37 (hg19) VCF-style: chr2-189876447-G-A.
Other names: short protein forms G1450S.
Identifiers: ClinVar variation 3893918 (VCV003893918.1).
Genomic context (GRCh38, chr2:189,011,721, plus strand): 5'-GAATATCGAACACGCAAGGCTGTGAGACTACCTATTGTAGATATTGCACCCTATGACATT[G>A]GTGGTCCTGATCAAGAATTTGGTGTGGACGTTGGCCCTGTTTGCTTTTTATAAACCAAAC-3'
Protein context (NP_000081.2, residues 1440-1460): PIVDIAPYDI[Gly1450Ser]GPDQEFGVDV

ClinVar aggregate classification (germline): Uncertain significance (1 of 4 stars; one submission).

Conditions:
Familial thoracic aortic aneurysm and aortic dissection (TAAD). Also called: Thoracic aortic aneurysms and dissections. Identifiers: Orphanet 91387, MedGen C4707243, MONDO:0019625.

Submission:

Color Diagnostics, LLC DBA Color Health
Classification: Uncertain significance for Familial thoracic aortic aneurysm and aortic dissection. Last evaluated: 2024-12-10. Review status: criteria provided, single submitter. Criteria: ACMG Guidelines, 2015. Collection method: clinical testing. Allele origin: germline.
Comment: This missense variant replaces glycine with serine at codon 1450 of the COL3A1 protein. Computational prediction tool is inconclusive regarding the impact of this variant on protein structure and function. To our knowledge, functional studies have not been reported for this variant. This variant has not been reported in individuals affected with COL3A1-related disorders in the literature. This variant has not been identified in the general population by the Genome Aggregation Database (gnomAD). The available evidence is insufficient to determine the role of this variant in disease conclusively. Therefore, this variant is classified as a Variant of Uncertain Significance.